The following is an entry in ClinVar:

NM_006514.4(SCN10A):c.1868-208A>C

Gene: SCN10A (sodium voltage-gated channel alpha subunit 10; minus strand). Cytogenetic location: 3p22.2.
Variant type: single nucleotide variant.
Coding change: c.1868-208A>C on transcript NM_006514.4 (MANE Select); 208 bases into the intron before coding-DNA position 1868, A replaced by C.
Molecular consequence: intron variant.
Genome position (GRCh38, 1-based): chr3:38,742,737, T>G on the plus strand (A>C on the coding strand, the complement: SCN10A is on the minus strand). VCF-style: chr3-38742737-T-G. GRCh37 (hg19) VCF-style: chr3-38784228-T-G.
Other names: c.1574-208A>C (NM_001293307.2); c.1868-208A>C (NM_001293306.2).
Identifiers: ClinVar variation 676682 (VCV000676682.2), dbSNP rs72866266, ClinGen allele CA72977736.

ClinVar aggregate classification (germline): Benign. Review status: criteria provided, multiple submitters, no conflicts (2 of 4 stars). 2 submissions from 2 submitters: Benign (2). Last evaluated 2018-06-14.

Allele frequency attached by ClinVar (database versions not stated): 1000 Genomes Project 0.02456; 1000 Genomes Project 30x 0.02592; gnomAD 0.02861 and 0.03125; TOPMed 0.03377.
gnomAD v4.1: 4,335 of 152,312 alleles (2.8%); highest among the groups gnomAD compares: African/African-American, 9.7%; 219 homozygotes.

Submissions (2):

GeneDx
Classification: Benign. Last evaluated: 2018-06-14. Review status: criteria provided, single submitter. Criteria: GeneDx Variant Classification (06012015). Collection method: clinical testing. Allele origin: germline. Affected: yes.
Comment: This variant is considered likely benign or benign based on one or more of the following criteria: it is a conservative change, it occurs at a poorly conserved position in the protein, it is predicted to be benign by multiple in silico algorithms, and/or has population frequency not consistent with disease.

Breakthrough Genomics
Classification: Benign. Review status: criteria provided, single submitter. Criteria: ACMG Guidelines, 2015. Collection method: not provided. Allele origin: germline. Inheritance: Autosomal dominant inheritance. Affected: yes.